The following is an entry in ClinVar:

NM_000400.4(ERCC2):c.610G>T (p.Val204Leu)

Gene: ERCC2 (ERCC excision repair 2, TFIIH core complex helicase subunit; minus strand). Cytogenetic location: 19q13.32.
Variant type: single nucleotide variant.
Coding change: c.610G>T on transcript NM_000400.4 (MANE Select); coding-DNA position 610, G replaced by T.
Protein change: p.Val204Leu; replaces valine 204 with leucine.
Molecular consequence: missense variant.
Genome position (GRCh38, 1-based): chr19:45,364,532, C>A on the plus strand (G>T on the coding strand, the complement: ERCC2 is on the minus strand). VCF-style: chr19-45364532-C-A. GRCh37 (hg19) VCF-style: chr19-45867790-C-A.
Other names: c.538G>T, p.Val180Leu (NM_001130867.2); short protein forms V180L, V204L.
Identifiers: ClinVar variation 1307819 (VCV001307819.2), dbSNP rs1447439738, ClinGen allele CA406375517.

ClinVar aggregate classification (germline): Uncertain significance (1 of 4 stars; one submission).

Allele frequency attached by ClinVar (database versions not stated): gnomAD exomes below 0.00001; gnomAD 0.00001; TOPMed 0.00002.
gnomAD v4.1: 4 of 1,613,334 alleles (0.00025%); highest among the groups gnomAD compares: Non-Finnish European, 0.00034%; no homozygotes.

Submission:

GeneDx
Classification: Uncertain significance. Last evaluated: 2019-08-12. Review status: criteria provided, single submitter. Criteria: GeneDx Variant Classification Process June 2021. Collection method: clinical testing. Allele origin: germline. Affected: yes.
Comment: Not observed in large population cohorts (Lek et al., 2016); In silico analysis, which includes protein predictors and evolutionary conservation, supports that this variant does not alter protein structure/function; Has not been previously published as pathogenic or benign to our knowledge